The following is an entry in ClinVar:

NM_004787.4(SLIT2):c.1330T>C (p.Tyr444His)

Gene: SLIT2 (slit guidance ligand 2; plus strand). Cytogenetic location: 4p15.31.
Variant type: single nucleotide variant.
Coding change: c.1330T>C on transcript NM_004787.4 (MANE Select); coding-DNA position 1330, T replaced by C.
Protein change: p.Tyr444His; replaces tyrosine 444 with histidine.
Molecular consequence: missense variant.
Genome position (GRCh38, 1-based): chr4:20,524,069, T>C. VCF-style: chr4-20524069-T-C. GRCh37 (hg19) VCF-style: chr4-20525692-T-C.
Other names: c.1342T>C, p.Tyr448His (NM_001289135.3); c.1330T>C, p.Tyr444His (NM_001289136.3); short protein forms Y444H, Y448H.
Identifiers: ClinVar variation 4750239 (VCV004750239.1).

ClinVar aggregate classification (germline): Uncertain significance (1 of 4 stars; one submission).

gnomAD v4.1: 5 of 1,614,078 alleles (0.00031%); highest among the groups gnomAD compares: Non-Finnish European, 0.00042%; no homozygotes.

Submission:

Labcorp Genetics (formerly Invitae), Labcorp
Classification: Uncertain significance. Last evaluated: 2025-05-25. Review status: criteria provided, single submitter. Criteria: Invitae Variant Classification Sherloc (09022015). Collection method: clinical testing. Allele origin: germline.
Comment: This sequence change replaces tyrosine, which is neutral and polar, with histidine, which is basic and polar, at codon 444 of the SLIT2 protein (p.Tyr444His). This variant is present in population databases (no rsID available, gnomAD 0.0009%). This variant has not been reported in the literature in individuals affected with SLIT2-related conditions. An algorithm developed to predict the effect of missense changes on protein structure and function (PolyPhen-2) suggests that this variant is likely to be disruptive. In summary, the available evidence is currently insufficient to determine the role of this variant in disease. Therefore, it has been classified as a Variant of Uncertain Significance.